The following is an entry in ClinVar:

ClinVar aggregate classification (germline): Uncertain significance (1 of 4 stars; one submission).

Conditions:
Epidermolysis bullosa simplex with nail dystrophy (EBS5D). Identifiers: MedGen C4225309, MONDO:0014661, OMIM 616487.
Epidermolysis bullosa simplex, Ogna type (EBS5A). Also called: EPIDERMOLYSIS BULLOSA SIMPLEX 5A, OGNA TYPE; Pidermolysis bullosa simplex 5A, Ogna type. Identifiers: Orphanet 79401, MedGen C0432317, MONDO:0007555, OMIM 131950.
Autosomal recessive limb-girdle muscular dystrophy type 2Q (LGMDR17). Also called: MUSCULAR DYSTROPHY, LIMB-GIRDLE, AUTOSOMAL RECESSIVE 17. Identifiers: Orphanet 254361, MedGen C3150989, MONDO:0013390, OMIM 613723.
Epidermolysis bullosa simplex 5B, with muscular dystrophy (EBS5B). Also called: EPIDERMOLYSIS BULLOSA SIMPLEX AND LIMB-GIRDLE MUSCULAR DYSTROPHY; Epidermolysis bullosa simplex with muscular dystrophy. Identifiers: Orphanet 257, MedGen C2931072, MONDO:0009181, OMIM 226670.
Epidermolysis bullosa simplex 5C, with pyloric atresia (EBS5C). Also called: PLEC1-Related Epidermolysis Bullosa with Pyloric Atresia; PLEC-Related Epidermolysis Bullosa with Pyloric Atresia; Epidermolysis bullosa simplex with pyloric atresia. Identifiers: Orphanet 158684, MedGen C2677349, MONDO:0012807, OMIM 612138.

Submission:

Labcorp Genetics (formerly Invitae), Labcorp
Classification: Uncertain significance for Autosomal recessive limb-girdle muscular dystrophy type 2Q; Epidermolysis bullosa simplex, Ogna type; Epidermolysis bullosa simplex with nail dystrophy; Epidermolysis bullosa simplex 5C, with pyloric atresia; Epidermolysis bullosa simplex 5B, with muscular dystrophy. Last evaluated: 2024-09-12. Review status: criteria provided, single submitter. Criteria: Invitae Variant Classification Sherloc (09022015). Collection method: clinical testing. Allele origin: germline.
Comment: This variant, c.5563_5564insTGGCCGAGGAATACGCGGCGCGGCAGC, results in the insertion of 9 amino acid(s) of the PLEC protein (p.Gln1854_Arg1855insLeuAlaGluGluTyrAlaAlaArgGln), but otherwise preserves the integrity of the reading frame. This variant is not present in population databases (gnomAD no frequency). This variant has not been reported in the literature in individuals affected with PLEC-related conditions. In summary, the available evidence is currently insufficient to determine the role of this variant in disease. Therefore, it has been classified as a Variant of Uncertain Significance.

NM_201384.3(PLEC):c.5482_5483insTGGCCGAGGAATACGCGGCGCGGCAGC (p.Gln1827_Arg1828insLeuAlaGluGluTyrAlaAlaArgGln)

Gene: PLEC (plectin; minus strand). Cytogenetic location: 8q24.3.
Variant type: Insertion.
Coding change: c.5482_5483insTGGCCGAGGAATACGCGGCGCGGCAGC on transcript NM_201384.3 (MANE Select); coding-DNA positions 5482 to 5483, TGGCCGAGGAATACGCGGCGCGGCAGC inserted.
Protein change: p.Gln1827_Arg1828insLeuAlaGluGluTyrAlaAlaArgGln.
Molecular consequence: inframe insertion. On other transcripts: intron variant (1).
Genome position: GRCh38 VCF-style: chr8-143924446-C-CGCTGCCGCGCCGCGTATTCCTCGGCCA. GRCh37 (hg19) VCF-style: chr8-144998614-C-CGCTGCCGCGCCGCGTATTCCTCGGCCA.
Other names: c.5563_5564insTGGCCGAGGAATACGCGGCGCGGCAGC, p.Gln1854_Arg1855insLeuAlaGluGluTyrAlaAlaArgGln (NM_000445.5); c.5440_5441insTGGCCGAGGAATACGCGGCGCGGCAGC, p.Gln1813_Arg1814insLeuAlaGluGluTyrAlaAlaArgGln (NM_201378.4); c.5416_5417insTGGCCGAGGAATACGCGGCGCGGCAGC, p.Gln1805_Arg1806insLeuAlaGluGluTyrAlaAlaArgGln (NM_201379.3); c.5893_5894insTGGCCGAGGAATACGCGGCGCGGCAGC, p.Gln1964_Arg1965insLeuAlaGluGluTyrAlaAlaArgGln (NM_201380.4); c.5386_5387insTGGCCGAGGAATACGCGGCGCGGCAGC, p.Gln1795_Arg1796insLeuAlaGluGluTyrAlaAlaArgGln (NM_201381.3); c.5482_5483insTGGCCGAGGAATACGCGGCGCGGCAGC, p.Gln1827_Arg1828insLeuAlaGluGluTyrAlaAlaArgGln (NM_201382.4); c.5494_5495insTGGCCGAGGAATACGCGGCGCGGCAGC, p.Gln1831_Arg1832insLeuAlaGluGluTyrAlaAlaArgGln (NM_201383.3); c.4126-2052_4126-2051insACGCGGCGCGGCAGCTGGCCGAGGAAT (NM_001410941.1).
Identifiers: ClinVar variation 3758747 (VCV003758747.2).